The following is an entry in ClinVar:

NM_000238.4(KCNH2):c.2398+106T>A

Gene: KCNH2 (potassium voltage-gated channel subfamily H member 2; minus strand). Cytogenetic location: 7q36.1.
Variant type: single nucleotide variant.
Coding change: c.2398+106T>A on transcript NM_000238.4 (MANE Select); 106 bases into the intron after coding-DNA position 2398, T replaced by A.
Molecular consequence: intron variant. On other transcripts: missense variant (5).
Genome position (GRCh38, 1-based): chr7:150,950,062, A>T on the plus strand (T>A on the coding strand, the complement: KCNH2 is on the minus strand). VCF-style: chr7-150950062-A-T. GRCh37 (hg19) VCF-style: chr7-150647150-A-T.
Other names: c.2110+106T>A (NM_001406753.1); c.1378+106T>A (NM_172057.3); c.1484T>A, p.Leu495Gln (NM_001204798.2); c.2327T>A, p.Leu776Gln (NM_001406755.1); c.2216T>A, p.Leu739Gln (NM_001406756.1); c.2204T>A, p.Leu735Gln (NM_001406757.1); c.2504T>A, p.Leu835Gln (NM_172056.3); short protein forms L495Q, L735Q, L739Q, L776Q, L835Q.
Identifiers: ClinVar variation 5022979 (VCV005022979.1).

ClinVar aggregate classification (germline): Uncertain significance (1 of 4 stars; one submission).

Conditions:
Cardiovascular phenotype. Identifiers: MedGen CN230736.

Submission:

Ambry Genetics
Classification: Uncertain significance for Cardiovascular phenotype. Last evaluated: 2026-07-07. Review status: criteria provided, single submitter. Criteria: Ambry Variant Classification Scheme 2023. Collection method: clinical testing. Allele origin: germline.
Comment: The p.L835Q variant (also known as c.2504T>A), located in coding exon 9 of the KCNH2 gene, results from a T to A substitution at nucleotide position 2504. The leucine at codon 835 is replaced by glutamine, an amino acid with dissimilar properties. This amino acid position is conserved. In addition, this alteration is predicted to be tolerated by in silico analysis. Based on the available evidence, the clinical significance of this variant remains unclear.